The following is an entry in ClinVar:

ClinVar aggregate classification (germline): Likely pathogenic (1 of 4 stars; one submission).

Conditions:
ACAN-related disorder. Also called: ACAN-related condition; ACAN-related disorders.

Submission:

PreventionGenetics, part of Exact Sciences
Classification: Likely pathogenic for ACAN-related condition. Last evaluated: 2026-02-23. Review status: criteria provided, single submitter. Criteria: ACMG Guidelines, 2015. Collection method: clinical testing. Allele origin: germline.
Comment: The ACAN c.5685_5698del14 variant is predicted to result in a frameshift and premature protein termination (p.Ser1895Argfs*4). To our knowledge, this variant has not been reported in the literature or in a large population database (gnomAD), indicating this variant is rare. Frameshift variants in ACAN are expected to be pathogenic. This variant is interpreted as likely pathogenic.

NM_001369268.1(ACAN):c.5685_5698del (p.Ser1895fs)

Gene: ACAN (aggrecan; plus strand). Cytogenetic location: 15q26.1.
Variant type: Deletion.
Coding change: c.5685_5698del on transcript NM_001369268.1 (MANE Select); coding-DNA positions 5685 to 5698, 14 bases deleted (TGGCCTACCAAGTG).
Protein change: p.Ser1895fs; shifts the reading frame from serine 1895.
Molecular consequence: frameshift variant.
Genome position (GRCh38, 1-based): chr15:88,858,270-88,858,283, TGGCCTACCAAGTG deleted; deleting any 14 consecutive bases within chr15:88,858,269-88,858,283 gives the same sequence; the c. name uses the placement nearest the transcript's 3' end. VCF-style (leftmost placement, unchanged base first): chr15-88858268-AGTGGCCTACCAAGT-A. GRCh37 (hg19) VCF-style: chr15-89401499-AGTGGCCTACCAAGT-A.
Other names: c.5685_5698del, p.Ser1895fs (NM_001135.4, NM_001411096.1, NM_001411097.1 and 1 more transcripts); short protein forms S1895fs.
Identifiers: ClinVar variation 4993197 (VCV004993197.1).